The following is an entry in ClinVar:

ClinVar aggregate classification (germline): Pathogenic (1 of 4 stars; one submission).

Conditions:
Charcot-Marie-Tooth disease type 4. Also called: Charcot-Marie-Tooth disease, type IV; Charcot-Marie-Tooth, Type 4. Identifiers: Orphanet 64749, MedGen C4082197, MONDO:0018995.

Submission:

Labcorp Genetics (formerly Invitae), Labcorp
Classification: Pathogenic for Charcot-Marie-Tooth disease type 4. Last evaluated: 2024-02-22. Review status: criteria provided, single submitter. Criteria: Invitae Variant Classification Sherloc (09022015). Collection method: clinical testing. Allele origin: germline.
Comment: This sequence change creates a premature translational stop signal (p.Leu998Profs*34) in the PRX gene. While this is not anticipated to result in nonsense mediated decay, it is expected to disrupt the last 464 amino acid(s) of the PRX protein. This variant is present in population databases (no rsID available, gnomAD 0.007%). This variant has not been reported in the literature in individuals affected with PRX-related conditions. ClinVar contains an entry for this variant (Variation ID: 945390). This variant disrupts a region of the PRX protein in which other variant(s) (p.Arg1070*) have been determined to be pathogenic (PMID: 15197604, 16770524, 22847150, 26059842). This suggests that this is a clinically significant region of the protein, and that variants that disrupt it are likely to be disease-causing. For these reasons, this variant has been classified as Pathogenic.

Literature cited by the submitters: PubMed 15197604; PubMed 16770524; PubMed 22847150; PubMed 26059842.

NM_181882.3(PRX):c.2993_3000del (p.Leu998fs)

Gene: PRX (periaxin; minus strand). Cytogenetic location: 19q13.2.
Variant type: Deletion.
Coding change: c.2993_3000del on transcript NM_181882.3 (MANE Select); coding-DNA positions 2993 to 3000, 8 bases deleted (TGGATGCC; older notation c.2993_3000delTGGATGCC).
Protein change: p.Leu998fs; shifts the reading frame from leucine 998.
Molecular consequence: frameshift variant. On other transcripts: 3 prime UTR variant (1).
Genome position (GRCh38, 1-based): chr19:40,395,352-40,395,359, GGCATCCA deleted on the plus strand (TGGATGCC on the coding strand, the reverse complement: PRX is on the minus strand); deleting any 8 consecutive bases within chr19:40,395,352-40,395,362 gives the same sequence; the c. name uses the placement nearest the transcript's 3' end. VCF-style (leftmost placement, unchanged base first): chr19-40395351-GGGCATCCA-G. GRCh37 (hg19) VCF-style: chr19-40901258-GGGCATCCA-G.
Other names: c.*3198_*3205del (NM_020956.2); short protein forms L998fs.
Identifiers: ClinVar variation 945390 (VCV000945390.9), dbSNP rs1231723888, ClinGen allele CA633466288.